The following is an entry in ClinVar:

NM_000135.4(FANCA):c.2899T>A (p.Ser967Thr)

Gene: FANCA (FA complementation group A; minus strand). Cytogenetic location: 16q24.3.
Variant type: single nucleotide variant.
Coding change: c.2899T>A on transcript NM_000135.4 (MANE Select); coding-DNA position 2899, T replaced by A.
Protein change: p.Ser967Thr; replaces serine 967 with threonine.
Molecular consequence: missense variant.
Genome position (GRCh38, 1-based): chr16:89,758,659, A>T on the plus strand (T>A on the coding strand, the complement: FANCA is on the minus strand). VCF-style: chr16-89758659-A-T. GRCh37 (hg19) VCF-style: chr16-89825067-A-T.
Other names: c.2899T>A, p.Ser967Thr (NM_001286167.3); short protein forms S967T.
Identifiers: ClinVar variation 3512715 (VCV003512715.1).
Genomic context (GRCh38, chr16:89,758,659, plus strand): 5'-CGTTGACAAGAATGGTACACGCAGCCTGCAGGTCTCCGTCACAGCCCCCTGAAGCCGAGG[A>T]CTCAGGGAGAAAGTGCTCATGGATCGCCCACTGGTGGAAGTCCTGCCTAGAACAGCAAAC-3'
Protein context (NP_000126.2, residues 957-977): WAIHEHFLPE[Ser967Thr]SASGGCDGDL

ClinVar aggregate classification (germline): Uncertain significance (1 of 4 stars; one submission).

Conditions:
Inborn genetic diseases. Identifiers: MedGen C0950123, MeSH D030342.

Submission:

Ambry Genetics
Classification: Uncertain significance for Inborn genetic diseases. Last evaluated: 2024-12-07. Review status: criteria provided, single submitter. Criteria: Ambry Variant Classification Scheme 2023. Collection method: clinical testing. Allele origin: germline.
Comment: The p.S967T variant (also known as c.2899T>A), located in coding exon 30 of the FANCA gene, results from a T to A substitution at nucleotide position 2899. The serine at codon 967 is replaced by threonine, an amino acid with similar properties. This amino acid position is conserved. In addition, this alteration is predicted to be tolerated by in silico analysis. Based on the available evidence, the clinical significance of this variant remains unclear.